The following is an entry in ClinVar:

ClinVar aggregate classification (germline): Uncertain significance (1 of 4 stars; one submission).

Conditions:
Hypermethioninemia with deficiency of S-adenosylhomocysteine hydrolase. Identifiers: Orphanet 88618, MedGen C3151058, MONDO:0013404, OMIM 613752.

Allele frequency attached by ClinVar (database versions not stated): TOPMed 0.00001.
gnomAD v4.1: 8 of 1,613,806 alleles (0.0005%); highest among the groups gnomAD compares: Non-Finnish European, 0.00068%; no homozygotes.

Submission:

Labcorp Genetics (formerly Invitae), Labcorp
Classification: Uncertain significance for Hypermethioninemia with deficiency of S-adenosylhomocysteine hydrolase. Last evaluated: 2022-03-11. Review status: criteria provided, single submitter. Criteria: Invitae Variant Classification Sherloc (09022015). Collection method: clinical testing. Allele origin: germline.
Comment: In summary, the available evidence is currently insufficient to determine the role of this variant in disease. Therefore, it has been classified as a Variant of Uncertain Significance. Algorithms developed to predict the effect of missense changes on protein structure and function are either unavailable or do not agree on the potential impact of this missense change (SIFT: "Not Available"; PolyPhen-2: "Probably Damaging"; Align-GVGD: "Not Available"). This variant has not been reported in the literature in individuals affected with AHCY-related conditions. This variant is not present in population databases (gnomAD no frequency). This sequence change replaces proline, which is neutral and non-polar, with leucine, which is neutral and non-polar, at codon 387 of the AHCY protein (p.Pro387Leu).

NM_000687.4(AHCY):c.1160C>T (p.Pro387Leu)

Gene: AHCY (adenosylhomocysteinase; minus strand). Cytogenetic location: 20q11.22.
Variant type: single nucleotide variant.
Coding change: c.1160C>T on transcript NM_000687.4 (MANE Select); coding-DNA position 1160, C replaced by T.
Protein change: p.Pro387Leu; replaces proline 387 with leucine.
Molecular consequence: missense variant.
Genome position (GRCh38, 1-based): chr20:34,285,447, G>A on the plus strand (C>T on the coding strand, the complement: AHCY is on the minus strand). VCF-style: chr20-34285447-G-A. GRCh37 (hg19) VCF-style: chr20-32873253-G-A.
Other names: c.1166C>T, p.Pro389Leu (NM_001322086.2); c.1160C>T, p.Pro387Leu (NM_001362750.2); c.1076C>T, p.Pro359Leu (NM_001161766.2, NM_001322084.2, NM_001322085.2); short protein forms P387L, P389L, P359L.
Identifiers: ClinVar variation 1905292 (VCV001905292.4), dbSNP rs777321528, ClinGen allele CA408653967.